The following is an entry in ClinVar:

ClinVar aggregate classification (germline): Uncertain significance (1 of 4 stars; one submission).

Allele frequency attached by ClinVar (database versions not stated): gnomAD 0.00001.
gnomAD v4.1: 26 of 1,546,646 alleles (0.0017%); highest among the groups gnomAD compares: Non-Finnish European, 0.0021%; no homozygotes.

Submission:

Women's Health and Genetics/Laboratory Corporation of America, LabCorp
Classification: Uncertain significance. Last evaluated: 2023-07-10. Review status: criteria provided, single submitter. Criteria: LabCorp Variant Classification Summary - May 2015. Collection method: clinical testing. Allele origin: germline.
Comment: Variant summary: RBM20 c.1338-9C>G alters a non-conserved nucleotide located close to a canonical splice site and therefore could affect mRNA splicing, leading to a significantly altered protein sequence. Several computational tools predict a significant impact on normal splicing: Three predict the variant weakens a canonical 3' acceptor site, one of which also predicts it strengthens a cryptic 3' acceptor site; whereas another tool predicts the variant has no significant impact on splicing. However, these predictions have yet to be confirmed by functional studies. The variant was absent in 153476 control chromosomes (gnomAD). The available data on variant occurrences in the general population are insufficient to allow any conclusion about variant significance. To our knowledge, no occurrence of c.1338-9C>G in individuals affected with Dilated Cardiomyopathy and no experimental evidence demonstrating its impact on protein function have been reported. No submitters have cited clinical-significance assessments for this variant to ClinVar after 2014. Based on the evidence outlined above, the variant was classified as uncertain significance.

NM_001134363.3(RBM20):c.1338-9C>G

Gene: RBM20 (RNA binding motif protein 20; plus strand). Cytogenetic location: 10q25.2.
Variant type: single nucleotide variant.
Coding change: c.1338-9C>G on transcript NM_001134363.3 (MANE Select); 9 bases into the intron before coding-DNA position 1338, C replaced by G.
Molecular consequence: intron variant.
Genome position (GRCh38, 1-based): chr10:110,784,332, C>G. VCF-style: chr10-110784332-C-G. GRCh37 (hg19) VCF-style: chr10-112544090-C-G.
Identifiers: ClinVar variation 2577345 (VCV002577345.1), dbSNP rs1564845243, ClinGen allele CA932514084.